The following is an entry in ClinVar:

NM_005188.4(CBL):c.1934C>T (p.Thr645Ile)

Gene: CBL (Cbl proto-oncogene; plus strand). Cytogenetic location: 11q23.3.
Variant type: single nucleotide variant.
Coding change: c.1934C>T on transcript NM_005188.4 (MANE Select); coding-DNA position 1934, C replaced by T.
Protein change: p.Thr645Ile; replaces threonine 645 with isoleucine.
Molecular consequence: missense variant.
Genome position (GRCh38, 1-based): chr11:119,285,559, C>T. VCF-style: chr11-119285559-C-T. GRCh37 (hg19) VCF-style: chr11-119156269-C-T.
Other names: c.1934C>T (NM_005188.2); short protein forms T645I.
Identifiers: ClinVar variation 1956247 (VCV001956247.6), dbSNP rs1949978503, ClinGen allele CA382921036.

ClinVar aggregate classification (germline): Uncertain significance. Review status: criteria provided, multiple submitters, no conflicts (2 of 4 stars). 2 submissions from 2 submitters: Uncertain significance (2). Last evaluated 2025-05-02.

Conditions:
Cardiovascular phenotype. Identifiers: MedGen CN230736.
RASopathy. Also called: Noonan spectrum disorder; rasopathies. Identifiers: Orphanet 536391, MedGen C5555857, MONDO:0021060.

Submissions (2):

Ambry Genetics
Classification: Uncertain significance for Cardiovascular phenotype. Last evaluated: 2025-05-02. Review status: criteria provided, single submitter. Criteria: Ambry Variant Classification Scheme 2023. Collection method: clinical testing. Allele origin: germline.
Comment: The p.T645I variant (also known as c.1934C>T), located in coding exon 11 of the CBL gene, results from a C to T substitution at nucleotide position 1934. The threonine at codon 645 is replaced by isoleucine, an amino acid with similar properties. This amino acid position is conserved. In addition, this alteration is predicted to be tolerated by in silico analysis. Based on the available evidence, the clinical significance of this variant remains unclear.

Labcorp Genetics (formerly Invitae), Labcorp
Classification: Uncertain significance for RASopathy. Last evaluated: 2022-05-30. Review status: criteria provided, single submitter. Criteria: Invitae Variant Classification Sherloc (09022015). Collection method: clinical testing. Allele origin: germline.
Comment: This sequence change replaces threonine, which is neutral and polar, with isoleucine, which is neutral and non-polar, at codon 645 of the CBL protein (p.Thr645Ile). This variant is not present in population databases (gnomAD no frequency). This variant has not been reported in the literature in individuals affected with CBL-related conditions. Advanced modeling of protein sequence and biophysical properties (such as structural, functional, and spatial information, amino acid conservation, physicochemical variation, residue mobility, and thermodynamic stability) performed at Invitae indicates that this missense variant is not expected to disrupt CBL protein function. In summary, the available evidence is currently insufficient to determine the role of this variant in disease. Therefore, it has been classified as a Variant of Uncertain Significance.